The following is an entry in ClinVar:

ClinVar aggregate classification (germline): Uncertain significance. Review status: criteria provided, single submitter (1 of 4 stars). 2 submissions from 2 submitters: Uncertain significance (1). 1 of the submissions does not count toward it. Last evaluated 2023-07-27.

Conditions:
AGBL5-related disorder. Also called: AGBL5-related condition.

Allele frequency attached by ClinVar (database versions not stated): gnomAD 0.00001; ExAC 0.00003; gnomAD exomes 0.00003; TOPMed 0.00003.
gnomAD v4.1: 43 of 1,588,798 alleles (0.0027%); highest among the groups gnomAD compares: Middle Eastern, 0.12%; no homozygotes.

Submissions (2):

Blueprint Genetics
Classification: Uncertain significance. Last evaluated: 2023-07-27. Review status: criteria provided, single submitter. Criteria: ACMG Guidelines, 2015. Collection method: clinical testing. Allele origin: germline.

PreventionGenetics, part of Exact Sciences
Classification: Likely benign for AGBL5-related condition. Last evaluated: 2020-01-21. Review status: no assertion criteria provided. Collection method: clinical testing. Allele origin: germline. Not counted in ClinVar's aggregate classification.
Comment: This variant is classified as likely benign based on ACMG/AMP sequence variant interpretation guidelines (Richards et al. 2015 PMID: 25741868, with internal and published modifications).

NM_021831.6(AGBL5):c.-2C>T

Gene: AGBL5 (AGBL carboxypeptidase 5; plus strand). Cytogenetic location: 2p23.3.
Variant type: single nucleotide variant.
Coding change: c.-2C>T on transcript NM_021831.6 (MANE Select); 2 bases upstream of the start codon, C replaced by T.
Molecular consequence: 5 prime UTR variant. On other transcripts: non-coding transcript variant (2).
Genome position (GRCh38, 1-based): chr2:27,052,957, C>T. VCF-style: chr2-27052957-C-T. GRCh37 (hg19) VCF-style: chr2-27275825-C-T.
Other names: c.-2C>T (NM_001035506.1, NM_001035507.3).
Identifiers: ClinVar variation 3040179 (VCV003040179.3), dbSNP rs766274421, ClinGen allele CA1567527.